The following is an entry in ClinVar:

NM_033124.5(DRC2):c.957GAA[1] (p.Lys320del)

Gene: DRC2 (dynein regulatory complex subunit 2; plus strand). Cytogenetic location: 12q13.12.
Variant type: Microsatellite.
Coding change: c.957GAA[1] on transcript NM_033124.5 (MANE Select); one copy of the 3-base unit GAA starting at c.957; the reference has two copies in a row; one copy, 3 bases deleted.
Protein change: p.Lys320del; deletes lysine 320.
Molecular consequence: inframe deletion.
Genome position (GRCh38, 1-based): chr12:48,918,837-48,918,839, GAA deleted; deleting any 3 consecutive bases within chr12:48,918,833-48,918,839 gives the same sequence; the position shown is the placement nearest the transcript's 3' end. VCF-style (leftmost placement, unchanged base first): chr12-48918832-CAGA-C. GRCh37 (hg19) VCF-style: chr12-49312615-CAGA-C.
Other names: c.528GAA[1], p.Lys177del (NM_001286957.2); short protein forms K320del, K177del.
Identifiers: ClinVar variation 1926102 (VCV001926102.5), dbSNP rs757225412, ClinGen allele CA6543384.

ClinVar aggregate classification (germline): Uncertain significance (1 of 4 stars; one submission).

Conditions:
Primary ciliary dyskinesia 27. Also called: CILIARY DYSKINESIA, PRIMARY, 27, WITHOUT SITUS INVERSUS. Identifiers: Orphanet 244, MedGen C3809701, MONDO:0014215, OMIM 615504.

Submission:

Labcorp Genetics (formerly Invitae), Labcorp
Classification: Uncertain significance for Primary ciliary dyskinesia 27. Last evaluated: 2022-05-14. Review status: criteria provided, single submitter. Criteria: Invitae Variant Classification Sherloc (09022015). Collection method: clinical testing. Allele origin: germline.
Comment: This variant, c.960_962del, results in the deletion of 1 amino acid(s) of the CCDC65 protein (p.Lys320del), but otherwise preserves the integrity of the reading frame. This variant is present in population databases (rs757225412, gnomAD 0.01%). This variant has not been reported in the literature in individuals affected with CCDC65-related conditions. Experimental studies and prediction algorithms are not available or were not evaluated, and the functional significance of this variant is currently unknown. In summary, the available evidence is currently insufficient to determine the role of this variant in disease. Therefore, it has been classified as a Variant of Uncertain Significance.